The following is an entry in ClinVar:

NM_000092.5(COL4A4):c.940G>T (p.Gly314Cys)

Gene: COL4A4 (collagen type IV alpha 4 chain; minus strand). Cytogenetic location: 2q36.3.
Variant type: single nucleotide variant.
Coding change: c.940G>T on transcript NM_000092.5 (MANE Select); coding-DNA position 940, G replaced by T.
Protein change: p.Gly314Cys; replaces glycine 314 with cysteine.
Molecular consequence: missense variant.
Genome position (GRCh38, 1-based): chr2:227,101,900, C>A on the plus strand (G>T on the coding strand, the complement: COL4A4 is on the minus strand). VCF-style: chr2-227101900-C-A. GRCh37 (hg19) VCF-style: chr2-227966616-C-A.
Other names: short protein forms G314C.
Identifiers: ClinVar variation 2674612 (VCV002674612.4), dbSNP rs2475551311, ClinGen allele CA350856343.

ClinVar aggregate classification (germline): Likely pathogenic. Review status: criteria provided, multiple submitters, no conflicts (2 of 4 stars). 2 submissions from 2 submitters: Likely pathogenic (2). Last evaluated 2021-02-26.

Conditions:
Hematuria, benign familial, 1 (BFH1). Also called: THIN MEMBRANE NEPHROPATHY. Identifiers: MedGen CN376803, MONDO:0007709, OMIM 141200.
Autosomal recessive Alport syndrome (ATS2). Also called: COL4A3-Related Nephropathy; ALPORT SYNDROME 2, AUTOSOMAL RECESSIVE; Alport syndrome type 2; COL4A4 Alport Syndrome and Thin Basement Membrane Nephropathy. Identifiers: Orphanet 63, Orphanet 88919, MedGen C4746745, MONDO:0008762, OMIM 203780.
Benign familial hematuria. Also called: thin basement membrane disease. Identifiers: MedGen C0241908, MONDO:0957317.

gnomAD v4.1: 1 of 1,597,430 alleles (0.000063%); highest among the groups gnomAD compares: South Asian, 0.0011%; no homozygotes.

Submissions (2):

Division Of Personalized Genomic Medicine, Columbia University Irving Medical Center
Classification: Likely pathogenic for Hematuria, benign familial, 1; Autosomal recessive Alport syndrome. Last evaluated: 2021-02-26. Review status: criteria provided, single submitter. Criteria: ACMG Guidelines, 2015. Collection method: clinical testing. Allele origin: maternal, germline. Inheritance: Autosomal recessive inheritance. Observed: 2 heterozygotes. Clinical features observed: Proteinuria (HP:0000093), Acute kidney injury (HP:0001919), Vascular ring (HP:0010775), Delayed speech and language development (HP:0000750).
Comment: The c.940G>T variant in the COL4A4 gene is a heterozygous missense variant, which results in the substitution of the highly conserved glycine residue at the 314 position to glutamic acid (p.Gly314Cys). This variant is located within the triple helical domain of the protein and glycine substitution in this domain is a known mechanism of disease. In silico analysis predicts this change to be deleterious and damaging to the structure and/or function of the protein (probably damaging by PolyPhen2 and damaging by SIFT). It has not been observed in the Genome Aggregation Database (gnomAD), indicating it is not a common benign variant in the populations represented in this database.

Juno Genomics, Hangzhou Juno Genomics, Inc
Classification: Likely pathogenic for Hematuria, benign familial, 1. Review status: criteria provided, single submitter. Criteria: ACMG Guidelines, 2015. Collection method: clinical testing. Allele origin: germline.
Comment: Absent from controls (or at extremely low frequency if recessive) in Genome Aggregation Database.;Multiple lines of computational evidence support a deleterious effect on the gene or gene product.;Patient's phenotype or family history is highly specific for a disease with a single genetic etiology.;Co-segregation with disease in multiple affected family members.;Novel missense change at an amino acid residue where a different missense change determined to be pathogenic has been seen before.

Literature cited by the submitters: PubMed 19129241 (cited by Division Of Personalized Genomic Medicine, Columbia University Irving Medical Center); PubMed 29801666 (cited by Division Of Personalized Genomic Medicine, Columbia University Irving Medical Center).